The following is an entry in ClinVar:

NM_016252.4(BIRC6):c.13231C>T (p.Leu4411=)

Gene: BIRC6 (baculoviral IAP repeat containing 6; plus strand). Cytogenetic location: 2p22.3.
Variant type: single nucleotide variant.
Coding change: c.13231C>T on transcript NM_016252.4 (MANE Select); coding-DNA position 13231, C replaced by T.
Protein change: p.Leu4411=; no amino-acid change (leucine 4411 retained).
Molecular consequence: synonymous variant.
Genome position (GRCh38, 1-based): chr2:32,575,242, C>T. VCF-style: chr2-32575242-C-T. GRCh37 (hg19) VCF-style: chr2-32800309-C-T.
Other names: c.13228C>T, p.Leu4410= (NM_001378125.1).
Identifiers: ClinVar variation 3039396 (VCV003039396.2), dbSNP rs766198069, ClinGen allele CA1605478.

ClinVar aggregate classification (germline): Likely benign (0 of 4 stars; one submission).

Conditions:
BIRC6-related disorder. Also called: BIRC6-related condition.

Allele frequency attached by ClinVar (database versions not stated): gnomAD 0.00001; ExAC 0.00002; gnomAD exomes 0.00002.
gnomAD v4.1: 16 of 1,613,866 alleles (0.00099%); highest among the groups gnomAD compares: South Asian, 0.016%; no homozygotes.

Submission:

PreventionGenetics, part of Exact Sciences
Classification: Likely benign for BIRC6-related condition. Last evaluated: 2019-05-21. Review status: no assertion criteria provided. Collection method: clinical testing. Allele origin: germline.
Comment: This variant is classified as likely benign based on ACMG/AMP sequence variant interpretation guidelines (Richards et al. 2015 PMID: 25741868, with internal and published modifications).